The following is an entry in ClinVar:

ClinVar aggregate classification (germline): Uncertain significance (1 of 4 stars; one submission).

Conditions:
Maturity-onset diabetes of the young, type 12. Identifiers: MedGen C6012723, MONDO:0978299, OMIM 621196.
Diabetes mellitus, permanent neonatal 3. Also called: ABCC8-Related Permanent Neonatal Diabetes Mellitus. Identifiers: MedGen C5394303, MONDO:0030088, OMIM 618857.
Hyperinsulinemic hypoglycemia, familial, 1 (HHF1). Also called: HYPERINSULINISM, FAMILIAL, WITH PANCREATIC NESIDIOBLASTOSIS; HYPOGLYCEMIA, HYPERINSULINEMIC, OF INFANCY; NESIDIOBLASTOSIS OF PANCREAS; Persistent hyperinsulinemic hypoglycemia of infancy; Persistent Hyperinsulinemia Hypoglycemia of Infancy. Identifiers: Orphanet 276575, Orphanet 276598, MedGen C2931832, MONDO:0009734, OMIM 256450.
Leucine-induced hypoglycemia (LIH). Also called: LEUCINE-SENSITIVE HYPOGLYCEMIA OF INFANCY. Identifiers: MedGen C0271714, MONDO:0009415, OMIM 240800.
Type 2 diabetes mellitus. Also called: Type II diabetes mellitus. Identifiers: MedGen C0011860, MeSH D003924, MONDO:0005148, OMIM 125853, HP:0005978.
Diabetes mellitus, transient neonatal, 2 (TNDM2). Identifiers: Orphanet 99886, MedGen C1835887, MONDO:0012480, OMIM 610374. Disease mechanism: loss of function.

Submission:

Juno Genomics, Hangzhou Juno Genomics, Inc
Classification: Uncertain significance for Diabetes mellitus, permanent neonatal 3; Maturity-onset diabetes of the young, type 12; Type 2 diabetes mellitus; Diabetes mellitus, transient neonatal, 2; Hyperinsulinemic hypoglycemia, familial, 1; Leucine-induced hypoglycemia. Review status: criteria provided, single submitter. Criteria: ACMG Guidelines, 2015. Collection method: clinical testing. Allele origin: germline.
Comment: Absent from controls (or at extremely low frequency if recessive) in Genome Aggregation Database.;Multiple lines of computational evidence support a deleterious effect on the gene or gene product.

NM_000352.6(ABCC8):c.1225A>G (p.Met409Val)

Gene: ABCC8 (ATP binding cassette subfamily C member 8; minus strand). Cytogenetic location: 11p15.1.
Variant type: single nucleotide variant.
Coding change: c.1225A>G on transcript NM_000352.6 (MANE Select); coding-DNA position 1225, A replaced by G.
Protein change: p.Met409Val; replaces methionine 409 with valine.
Molecular consequence: missense variant. On other transcripts: non-coding transcript variant (1).
Genome position (GRCh38, 1-based): chr11:17,448,623, T>C on the plus strand (A>G on the coding strand, the complement: ABCC8 is on the minus strand). VCF-style: chr11-17448623-T-C. GRCh37 (hg19) VCF-style: chr11-17470170-T-C.
Other names: c.1225A>G, p.Met409Val (NM_001287174.3, NM_001351295.2); c.1222A>G, p.Met408Val (NM_001351296.2, NM_001351297.2); short protein forms M408V, M409V.
Identifiers: ClinVar variation 5007828 (VCV005007828.2).
Genomic context (GRCh38, chr11:17,448,623, plus strand): 5'-TGAGCTGATTGGTGTCGATGGCAACCAGATTACAGATCTGTCCAGCAGTCATTTCTCCCA[T>C]GGACAGGTTGGAGGTGGACAGGTGCATAATTTTATTGTAAATCTTGGTCTAGAAATGAGA-3'
Protein context (NP_000343.2, residues 399-419): IMHLSTSNLS[Met409Val]GEMTAGQICN